The following is an entry in ClinVar:

ClinVar aggregate classification (germline): Uncertain significance. Review status: criteria provided, multiple submitters, no conflicts (2 of 4 stars). 2 submissions from 2 submitters: Uncertain significance (2). Last evaluated 2024-05-17.

Conditions:
Familial thoracic aortic aneurysm and aortic dissection (TAAD). Also called: Thoracic aortic aneurysms and dissections. Identifiers: Orphanet 91387, MedGen C4707243, MONDO:0019625.
Ehlers-Danlos syndrome, kyphoscoliotic type 1 (EDSKSCL1). Also called: Ehlers-Danlos syndrome, hydroxylysine-deficient; EHLERS-DANLOS SYNDROME, TYPE VIA; EHLERS-DANLOS SYNDROME, OCULAR-SCOLIOTIC TYPE; PLOD1-Related Kyphoscoliotic Ehlers-Danlos Syndrome. Identifiers: Orphanet 1900, MedGen C0268342, MONDO:0016002, OMIM 225400. Disease mechanism: loss of function.

gnomAD v4.1: 3 of 1,614,108 alleles (0.00019%); highest among the groups gnomAD compares: Admixed American, 0.005%; no homozygotes.

Submissions (2):

Ambry Genetics
Classification: Uncertain significance for Familial thoracic aortic aneurysm and aortic dissection. Last evaluated: 2024-05-17. Review status: criteria provided, single submitter. Criteria: Ambry Variant Classification Scheme 2023. Collection method: clinical testing. Allele origin: germline.
Comment: The p.C566F variant (also known as c.1697G>T), located in coding exon 16 of the PLOD1 gene, results from a G to T substitution at nucleotide position 1697. The cysteine at codon 566 is replaced by phenylalanine, an amino acid with highly dissimilar properties. This amino acid position is highly conserved in available vertebrate species. In addition, this alteration is predicted to be deleterious by in silico analysis. Based on the available evidence, the clinical significance of this variant remains unclear.

Labcorp Genetics (formerly Invitae), Labcorp
Classification: Uncertain significance for Ehlers-Danlos syndrome, kyphoscoliotic type 1. Last evaluated: 2021-05-01. Review status: criteria provided, single submitter. Criteria: Invitae Variant Classification Sherloc (09022015). Collection method: clinical testing. Allele origin: germline.
Comment: In summary, the available evidence is currently insufficient to determine the role of this variant in disease. Therefore, it has been classified as a Variant of Uncertain Significance. Algorithms developed to predict the effect of missense changes on protein structure and function (SIFT, PolyPhen-2, Align-GVGD) all suggest that this variant is likely to be disruptive, but these predictions have not been confirmed by published functional studies and their clinical significance is uncertain. This variant has not been reported in the literature in individuals with PLOD1-related conditions. This variant is not present in population databases (ExAC no frequency). This sequence change replaces cysteine with phenylalanine at codon 566 of the PLOD1 protein (p.Cys566Phe). The cysteine residue is highly conserved and there is a large physicochemical difference between cysteine and phenylalanine.

NM_000302.4(PLOD1):c.1697G>T (p.Cys566Phe)

Gene: PLOD1 (procollagen-lysine,2-oxoglutarate 5-dioxygenase 1; plus strand). Cytogenetic location: 1p36.22.
Variant type: single nucleotide variant.
Coding change: c.1697G>T on transcript NM_000302.4 (MANE Select); coding-DNA position 1697, G replaced by T.
Protein change: p.Cys566Phe; replaces cysteine 566 with phenylalanine.
Molecular consequence: missense variant.
Genome position (GRCh38, 1-based): chr1:11,967,033, G>T. VCF-style: chr1-11967033-G-T. GRCh37 (hg19) VCF-style: chr1-12027090-G-T.
Other names: c.1697G>T (NM_000302.3); c.1838G>T, p.Cys613Phe (NM_001316320.2); short protein forms C566F, C613F.
Identifiers: ClinVar variation 1428598 (VCV001428598.9), dbSNP rs377325169, ClinGen allele CA338447601.
Genomic context (GRCh38, chr1:11,967,033, plus strand): 5'-CCTGCCCTCCCCAGCCCTGCCCGGATGTCTATTGGTTCCCCATCTTCACGGAGGTGGCCT[G>T]TGATGAGCTGGTGGAGGAGATGGAGCACTTTGGCCAGTGGTCTCTGGGCAACAACAAGGT-3'
Protein context (NP_000293.2, residues 556-576): YWFPIFTEVA[Cys566Phe]DELVEEMEHF